The following is an entry in ClinVar:

ClinVar aggregate classification (germline): Uncertain significance (1 of 4 stars; one submission).

Conditions:
GNE myopathy (NM). Also called: NONAKA DISTAL MYOPATHY; INCLUSION BODY MYOPATHY, HEREDITARY, AUTOSOMAL RECESSIVE; INCLUSION BODY MYOPATHY 2, AUTOSOMAL RECESSIVE; MYOPATHY, DISTAL, WITH OR WITHOUT RIMMED VACUOLES; IBM 2; Inclusion body myopathy autosomal recessive. Identifiers: Orphanet 602, MedGen C1853926, MONDO:0011603, OMIM 605820.
Sialuria. Also called: Sialic Acid Storage Disease; SIALURIA, FRENCH TYPE. Identifiers: Orphanet 3166, MedGen C0342853, MONDO:0010028, OMIM 269921.

Submission:

Labcorp Genetics (formerly Invitae), Labcorp
Classification: Uncertain significance for Sialuria; GNE myopathy. Last evaluated: 2021-05-31. Review status: criteria provided, single submitter. Criteria: Invitae Variant Classification Sherloc (09022015). Collection method: clinical testing. Allele origin: germline.
Comment: In summary, the available evidence is currently insufficient to determine the role of this variant in disease. Therefore, it has been classified as a Variant of Uncertain Significance. Advanced modeling of protein sequence and biophysical properties (such as structural, functional, and spatial information, amino acid conservation, physicochemical variation, residue mobility, and thermodynamic stability) performed at Invitae indicates that this missense variant is expected to disrupt GNE protein function. This variant has not been reported in the literature in individuals with GNE-related conditions. This variant is not present in population databases (ExAC no frequency). This sequence change replaces aspartic acid with histidine at codon 227 of the GNE protein (p.Asp227His). The aspartic acid residue is highly conserved and there is a moderate physicochemical difference between aspartic acid and histidine.

NM_005476.7(GNE):c.586G>C (p.Asp196His)

Gene: GNE (glucosamine (UDP-N-acetyl)-2-epimerase/N-acetylmannosamine kinase; minus strand). Cytogenetic location: 9p13.3.
Variant type: single nucleotide variant.
Coding change: c.586G>C on transcript NM_005476.7 (MANE Select); coding-DNA position 586, G replaced by C.
Protein change: p.Asp196His; replaces aspartic acid 196 with histidine.
Molecular consequence: missense variant.
Genome position (GRCh38, 1-based): chr9:36,246,061, C>G on the plus strand (G>C on the coding strand, the complement: GNE is on the minus strand). VCF-style: chr9-36246061-C-G. GRCh37 (hg19) VCF-style: chr9-36246058-C-G.
Other names: c.679G>C, p.Asp227His (NM_001128227.3); c.586G>C, p.Asp196His (NM_001190383.3, NM_001374797.1); c.409G>C, p.Asp137His (NM_001190384.3, NM_001190388.2, NM_001374798.1); short protein forms D227H, D137H, D196H.
Identifiers: ClinVar variation 1475667 (VCV001475667.8), dbSNP rs2133111701, ClinGen allele CA373418026.